The following is an entry in ClinVar:

NM_206933.4(USH2A):c.10702A>T (p.Lys3568Ter)

Gene: USH2A (usherin; minus strand). Cytogenetic location: 1q41.
Variant type: single nucleotide variant.
Coding change: c.10702A>T on transcript NM_206933.4 (MANE Select); coding-DNA position 10702, A replaced by T.
Protein change: p.Lys3568Ter; replaces lysine 3568 with a stop codon.
Molecular consequence: nonsense.
Genome position (GRCh38, 1-based): chr1:215,782,080, T>A on the plus strand (A>T on the coding strand, the complement: USH2A is on the minus strand). VCF-style: chr1-215782080-T-A. GRCh37 (hg19) VCF-style: chr1-215955422-T-A.
Other names: short protein forms K3568*.
Identifiers: ClinVar variation 2892158 (VCV002892158.3), dbSNP rs1046881798, ClinGen allele CA37437327.

ClinVar aggregate classification (germline): Pathogenic (1 of 4 stars; one submission).

Submission:

Labcorp Genetics (formerly Invitae), Labcorp
Classification: Pathogenic. Last evaluated: 2025-02-24. Review status: criteria provided, single submitter. Criteria: Invitae Variant Classification Sherloc (09022015). Collection method: clinical testing. Allele origin: germline.
Comment: This sequence change creates a premature translational stop signal (p.Lys3568*) in the USH2A gene. It is expected to result in an absent or disrupted protein product. Loss-of-function variants in USH2A are known to be pathogenic (PMID: 10729113, 10909849, 20507924, 25649381). This variant is not present in population databases (gnomAD no frequency). This variant has not been reported in the literature in individuals affected with USH2A-related conditions. ClinVar contains an entry for this variant (Variation ID: 2892158). For these reasons, this variant has been classified as Pathogenic.

Literature cited by the submitters: PubMed 10729113; PubMed 10909849; PubMed 20507924; PubMed 25649381.